The following is an entry in ClinVar:

NM_001330260.2(SCN8A):c.3408C>T (p.Thr1136=)

Gene: SCN8A (sodium voltage-gated channel alpha subunit 8; plus strand). Cytogenetic location: 12q13.13.
Variant type: single nucleotide variant.
Coding change: c.3408C>T on transcript NM_001330260.2 (MANE Select); coding-DNA position 3408, C replaced by T.
Protein change: p.Thr1136=; no amino-acid change (threonine 1136 retained).
Molecular consequence: synonymous variant.
Genome position (GRCh38, 1-based): chr12:51,769,903, C>T. VCF-style: chr12-51769903-C-T. GRCh37 (hg19) VCF-style: chr12-52163687-C-T.
Other names: c.3408C>T, p.Thr1136= (NM_001177984.3, NM_001369788.1, NM_014191.4).
Identifiers: ClinVar variation 515043 (VCV000515043.4), dbSNP rs1555226263, ClinGen allele CA479790610.

ClinVar aggregate classification (germline): Likely benign. Review status: criteria provided, multiple submitters, no conflicts (2 of 4 stars). 2 submissions from 2 submitters: Likely benign (2). Last evaluated 2023-06-30.

Conditions:
Early-infantile DEE. Also called: Early infantile epileptic encephalopathy with suppression bursts; Early infantile epileptic encephalopathy; Ohtahara syndrome. Identifiers: Orphanet 1934, MedGen C0393706, MONDO:0800491.

Allele frequency attached by ClinVar (database versions not stated): TOPMed below 0.00001.

Submissions (2):

Labcorp Genetics (formerly Invitae), Labcorp
Classification: Likely benign for Early-infantile DEE. Last evaluated: 2023-06-30. Review status: criteria provided, single submitter. Criteria: Invitae Variant Classification Sherloc (09022015). Collection method: clinical testing. Allele origin: germline.

GeneDx
Classification: Likely benign. Last evaluated: 2018-02-01. Review status: criteria provided, single submitter. Criteria: GeneDx Variant Classification (06012015). Collection method: clinical testing. Allele origin: germline. Affected: yes.
Comment: This variant is considered likely benign or benign based on one or more of the following criteria: it is a conservative change, it occurs at a poorly conserved position in the protein, it is predicted to be benign by multiple in silico algorithms, and/or has population frequency not consistent with disease.